The following is an entry in ClinVar:

ClinVar aggregate classification (germline): Conflicting classifications of pathogenicity. Review status: criteria provided, conflicting classifications (1 of 4 stars). 5 submissions from 5 submitters: Pathogenic (2); Likely pathogenic (1); Uncertain significance (1). 1 of the submissions does not count toward it. Last evaluated 2025-10-27.

Conditions:
Syndromic intellectual disability. Also called: Intellectual disability syndrome. Identifiers: Orphanet 183763, MedGen C5680525, MONDO:0000508.
CCDC82-Related Disorders.

Allele frequency attached by ClinVar (database versions not stated): TOPMed 0.00001; gnomAD 0.00002 and 0.00003.

Submissions (6):

Women's Health and Genetics/Laboratory Corporation of America, LabCorp
Classification: Pathogenic for CCDC82-Related Disorders. Last evaluated: 2025-10-27. Review status: criteria provided, single submitter. Criteria: LabCorp Variant Classification Summary - May 2015. Collection method: clinical testing. Allele origin: germline.
Comment: Variant summary: CCDC82 c.535C>T (p.Arg179X) results in a premature termination codon, predicted to cause a truncation of the encoded protein or absence of the protein due to nonsense mediated decay, which are commonly known mechanisms for disease. The variant allele was found at a frequency of 4e-06 in 251072 control chromosomes. c.535C>T has been observed in individual(s) affected with CCDC82-Related Disorders (example, Harripaul_2018, Yahia_2024). The following publications have been ascertained in the context of this evaluation (PMID: 35118659, 28397838, 37012327). ClinVar contains an entry for this variant (Variation ID: 1048083). Based on the evidence outlined above, the variant was classified as pathogenic.

Genomic Medicine Center of Excellence, King Faisal Specialist Hospital and Research Centre
Classification: Likely pathogenic. Last evaluated: 2024-03-25. Review status: criteria provided, single submitter. Criteria: ACMG Guidelines, 2015. Collection method: clinical testing. Allele origin: germline.

GeneDx
Classification: Uncertain significance. Last evaluated: 2023-02-28. Review status: criteria provided, single submitter. Criteria: GeneDx Variant Classification Process June 2021. Collection method: clinical testing. Allele origin: germline. Affected: yes.
Comment: Nonsense variant predicted to result in protein truncation or nonsense mediated decay in a gene or region of a gene for which loss of function is not a well-established mechanism of disease; This variant is associated with the following publications: (PMID: 35118659, 28397838)

Department of Biochemistry, Faculty of Medicine, University of Khartoum
Classification: Pathogenic for Syndromic intellectual disability. Last evaluated: 2021-03-25. Review status: criteria provided, single submitter. Criteria: ACMG Guidelines, 2015. Collection method: research. Allele origin: germline. Inheritance: Autosomal recessive inheritance. Affected: yes. Observed: 2 homozygotes.
Comment: Using whole-exome sequencing, we identified the variant NM_024725.3(CCDC82): c.535C>T (p.Arg179*) (rs758691852) in two siblings with intellectual disability and spasticity. We validated the variant status in the patients using Sanger sequencing and detected it in a heterozygous status in their parents. The variant NM_024725.3(CCDC82): c.535C>T (p.Arg179*) (rs758691852) is predicted to cause premature termination of the CCDC82 protein composed of 544 amino acids. The same variant was identified previously in two patients from Middle-East with non-syndromic ID (Harripaul et al., 2018). Another variant in the CCDC82 gene (NM_024725.3(CCDC82):c.373delG (p.Asp125Ilefs*6)) was identified before in four patients from a Pakistani family, two siblings and their cousins, who manifested a core phenotype of moderate ID and delayed speech (Riazuddin et al., 2017).

OMIM
Classification: Uncertain significance for VARIANT OF UNKNOWN SIGNIFICANCE. Last evaluated: 2022-05-25. Review status: no assertion criteria provided. Collection method: literature only. Allele origin: germline. Not counted in ClinVar's aggregate classification.

Dr. Peter K. Rogan Lab, Western University
No classification provided (evidence only). Condition: Gastric cancer. Review status: no classification provided. Collection method: in vitro. Allele origin: not applicable. Functional consequence: retained intron. Not counted in ClinVar's aggregate classification.

Literature cited by the submitters: PubMed 28397838 (cited by Women's Health and Genetics/Laboratory Corporation of America, LabCorp and Department of Biochemistry, Faculty of Medicine, University of Khartoum); PubMed 35118659 (cited by Women's Health and Genetics/Laboratory Corporation of America, LabCorp and OMIM); PubMed 37012327 (cited by Women's Health and Genetics/Laboratory Corporation of America, LabCorp).

NM_024725.4(CCDC82):c.535C>T (p.Arg179Ter)

Gene: CCDC82 (coiled-coil domain containing 82; minus strand). Cytogenetic location: 11q21.
Variant type: single nucleotide variant.
Coding change: c.535C>T on transcript NM_024725.4 (MANE Select); coding-DNA position 535, C replaced by T.
Protein change: p.Arg179Ter; replaces arginine 179 with a stop codon.
Molecular consequence: nonsense.
Genome position (GRCh38, 1-based): chr11:96,384,213, G>A on the plus strand (C>T on the coding strand, the complement: CCDC82 is on the minus strand). VCF-style: chr11-96384213-G-A. GRCh37 (hg19) VCF-style: chr11-96117377-G-A.
Other names: CCDC82, ARG179TER (rs758691852); NC_000011.9:g.96117377G>A; c.535C>T, p.Arg179Ter (NM_001318736.2, NM_001318737.3); c.466C>T, p.Arg156Ter (NM_001363594.2); short protein forms R156*, R179*.
Identifiers: ClinVar variation 1048083 (VCV001048083.7), dbSNP rs758691852, ClinGen allele CA6241533.